The following is an entry in ClinVar:

NM_001127222.2(CACNA1A):c.549G>A (p.Ala183=)

Gene: CACNA1A (calcium voltage-gated channel subunit alpha1 A; minus strand). Cytogenetic location: 19p13.13.
Variant type: single nucleotide variant.
Coding change: c.549G>A on transcript NM_001127222.2 (MANE Select); coding-DNA position 549, G replaced by A.
Protein change: p.Ala183=; no amino-acid change (alanine 183 retained).
Molecular consequence: synonymous variant.
Genome position (GRCh38, 1-based): chr19:13,371,770, C>T on the plus strand (G>A on the coding strand, the complement: CACNA1A is on the minus strand). VCF-style: chr19-13371770-C-T. GRCh37 (hg19) VCF-style: chr19-13482584-C-T.
Other names: p.Ala183=; c.549G>A, p.Ala183= (NM_000068.4, NM_001127221.2, NM_001174080.2 and 1 more transcripts).
Identifiers: ClinVar variation 446932 (VCV000446932.36), dbSNP rs16004, ClinGen allele CA9241008.

ClinVar aggregate classification (germline): Likely benign. Review status: criteria provided, multiple submitters, no conflicts (2 of 4 stars). 6 submissions from 6 submitters: Likely benign (6). Last evaluated 2025-06-22.

Conditions:
Developmental and epileptic encephalopathy, 42 (DEE42A). Also called: Epileptic encephalopathy, early infantile, 42; DEVELOPMENTAL AND EPILEPTIC ENCEPHALOPATHY 42A; EPILEPTIC ENCEPHALOPATHY, EARLY INFANTILE, 42A. Identifiers: MedGen C4310716, MONDO:0014917, OMIM 617106.
Episodic ataxia type 2 (EA2). Also called: ACETAZOLAMIDE-RESPONSIVE HEREDITARY PAROXYSMAL CEREBELLAR ATAXIA; ATAXIA, EPISODIC, WITH NYSTAGMUS; ATAXIA, FAMILIAL PAROXYSMAL; CEREBELLAR ATAXIA, PAROXYSMAL, ACETAZOLAMIDE-RESPONSIVE; CEREBELLOPATHY, HEREDITARY PAROXYSMAL; EPISODIC ATAXIA, NYSTAGMUS-ASSOCIATED. Identifiers: Orphanet 97, MedGen C1720416, MONDO:0007163, OMIM 108500.

Allele frequency attached by ClinVar (database versions not stated): ExAC 0.00007; gnomAD exomes 0.00003.
gnomAD v4.1: 36 of 1,571,066 alleles (0.0023%); highest among the groups gnomAD compares: Middle Eastern, 0.017%; no homozygotes.

Submissions (6):

Labcorp Genetics (formerly Invitae), Labcorp
Classification: Likely benign for Developmental and epileptic encephalopathy, 42; Episodic ataxia type 2. Last evaluated: 2025-06-22. Review status: criteria provided, single submitter. Criteria: Invitae Variant Classification Sherloc (09022015). Collection method: clinical testing. Allele origin: germline.

Mayo Clinic Laboratories, Mayo Clinic
Classification: Likely benign. Last evaluated: 2025-02-10. Review status: criteria provided, single submitter. Criteria: ACMG Guidelines, 2015. Collection method: clinical testing. Allele origin: germline. Observed: 1 variant allele.
Comment: BP4, BP7

Blueprint Genetics
Classification: Likely benign. Last evaluated: 2024-06-10. Review status: criteria provided, single submitter. Criteria: ACMG Guidelines, 2015. Collection method: clinical testing. Allele origin: germline.

CeGaT Center for Human Genetics Tuebingen
Classification: Likely benign. Last evaluated: 2023-02-01. Review status: criteria provided, single submitter. Criteria: CeGaT Center For Human Genetics Tuebingen Variant Classification Criteria Version 2. Collection method: clinical testing. Allele origin: germline. Affected: yes. Observed: 1 variant allele.
Comment: CACNA1A: BP4, BP7

GeneDx
Classification: Likely benign. Last evaluated: 2020-03-26. Review status: criteria provided, single submitter. Criteria: GeneDx Variant Classification Process June 2021. Collection method: clinical testing. Allele origin: germline. Affected: yes.

Athena Diagnostics
Classification: Likely benign. Last evaluated: 2017-06-20. Review status: criteria provided, single submitter. Criteria: Athena Diagnostics Criteria. Collection method: clinical testing. Allele origin: germline.